The following is an entry in ClinVar:

ClinVar aggregate classification (germline): Uncertain significance (1 of 4 stars; one submission).

Conditions:
Hypertrophic cardiomyopathy 14. Identifiers: MedGen C2750467, MONDO:0013197, OMIM 613251.
Dilated cardiomyopathy 1EE (CMD1EE). Identifiers: Orphanet 154, MedGen C2750466, MONDO:0013198, OMIM 613252.
Atrial septal defect 3 (ASD3). Identifiers: Orphanet 1478, MedGen C3279790, MONDO:0013567, OMIM 614089.
Sick sinus syndrome 3, susceptibility to (SSS3). Identifiers: Orphanet 166282, MedGen C3279791, MONDO:0013568, OMIM 614090.

Submission:

Juno Genomics, Hangzhou Juno Genomics, Inc
Classification: Uncertain significance for Sick sinus syndrome 3, susceptibility to; Atrial septal defect 3; Dilated cardiomyopathy 1EE; Hypertrophic cardiomyopathy 14. Review status: criteria provided, single submitter. Criteria: ACMG Guidelines, 2015. Collection method: clinical testing. Allele origin: germline.
Comment: Absent from controls (or at extremely low frequency if recessive) in Genome Aggregation Database.;Missense variant in a gene that has a low rate of benign missense variation.;Multiple lines of computational evidence support a deleterious effect on the gene or gene product.

NM_002471.4(MYH6):c.4358A>T (p.Lys1453Met)

Gene: MYH6 (myosin heavy chain 6; minus strand). Cytogenetic location: 14q11.2.
Variant type: single nucleotide variant.
Coding change: c.4358A>T on transcript NM_002471.4 (MANE Select); coding-DNA position 4358, A replaced by T.
Protein change: p.Lys1453Met; replaces lysine 1453 with methionine.
Molecular consequence: missense variant.
Genome position (GRCh38, 1-based): chr14:23,388,156, T>A on the plus strand (A>T on the coding strand, the complement: MYH6 is on the minus strand). VCF-style: chr14-23388156-T-A. GRCh37 (hg19) VCF-style: chr14-23857365-T-A.
Other names: short protein forms K1453M.
Identifiers: ClinVar variation 5005306 (VCV005005306.2).